The following is an entry in ClinVar:

NM_183357.3(ADCY5):c.242C>T (p.Pro81Leu)

Gene: ADCY5 (adenylate cyclase 5; minus strand). Cytogenetic location: 3q21.1.
Variant type: single nucleotide variant.
Coding change: c.242C>T on transcript NM_183357.3 (MANE Select); coding-DNA position 242, C replaced by T.
Protein change: p.Pro81Leu; replaces proline 81 with leucine.
Molecular consequence: missense variant.
Genome position (GRCh38, 1-based): chr3:123,448,304, G>A on the plus strand (C>T on the coding strand, the complement: ADCY5 is on the minus strand). VCF-style: chr3-123448304-G-A. GRCh37 (hg19) VCF-style: chr3-123167151-G-A.
Other names: c.242C>T (NM_183357.2); c.242C>T, p.Pro81Leu (NM_001378259.1); short protein forms P81L.
Identifiers: ClinVar variation 1165864 (VCV001165864.51), dbSNP rs77439349, ClinGen allele CA2577716.

ClinVar aggregate classification (germline): Conflicting classifications of pathogenicity. Review status: criteria provided, conflicting classifications (1 of 4 stars). 6 submissions from 6 submitters: Uncertain significance (1); Benign (2); Likely benign (3). Last evaluated 2025-03-31.

Conditions:
Dyskinesia with orofacial involvement, autosomal recessive. Identifiers: MedGen C5562036, MONDO:0030625, OMIM 619647.
Dyskinesia with orofacial involvement, autosomal dominant (DSKOD). Also called: Dyskinesia, familial, with facial myokymia; Familial Dyskinesia with Facial Myokymia (FDFM); Familial dyskinesia and facial myokymia. Identifiers: Orphanet 324588, MedGen C1847627, MONDO:0800028, OMIM 606703.
Neurodevelopmental disorder with hyperkinetic movements and dyskinesia. Identifiers: MedGen C5562038, MONDO:0859211, OMIM 619651.

Allele frequency attached by ClinVar (database versions not stated): gnomAD 0.00016 and 0.00025; gnomAD exomes 0.00027 and 0.00050; TOPMed 0.00036; 1000 Genomes Project 0.00100; 1000 Genomes Project 30x 0.00109; ExAC 0.00117.
gnomAD v4.1: 426 of 1,540,770 alleles (0.028%); highest among the groups gnomAD compares: East Asian, 0.92%; 2 homozygotes.

Submissions (6):

Labcorp Genetics (formerly Invitae), Labcorp
Classification: Benign. Last evaluated: 2025-03-31. Review status: criteria provided, single submitter. Criteria: Invitae Variant Classification Sherloc (09022015). Collection method: clinical testing. Allele origin: germline.

Blueprint Genetics
Classification: Benign. Last evaluated: 2024-06-28. Review status: criteria provided, single submitter. Criteria: ACMG Guidelines, 2015. Collection method: clinical testing. Allele origin: germline.

CeGaT Center for Human Genetics Tuebingen
Classification: Likely benign. Last evaluated: 2023-04-01. Review status: criteria provided, single submitter. Criteria: CeGaT Center For Human Genetics Tuebingen Variant Classification Criteria Version 2. Collection method: clinical testing. Allele origin: germline. Affected: yes. Observed: 1 variant allele.
Comment: ADCY5: PP2, BS2

Fulgent Genetics
Classification: Likely benign for Dyskinesia with orofacial involvement, autosomal dominant; Dyskinesia with orofacial involvement, autosomal recessive; Neurodevelopmental disorder with hyperkinetic movements and dyskinesia. Last evaluated: 2022-04-27. Review status: criteria provided, single submitter. Criteria: ACMG Guidelines, 2015. Collection method: clinical testing. Allele origin: unknown.

Department of Neurology, Xijing Hospital, Fourth Military Medical University
Classification: Uncertain significance for Dyskinesia with orofacial involvement, autosomal dominant. Last evaluated: 2022-03-01. Review status: criteria provided, single submitter. Criteria: ACMG Guidelines, 2015. Collection method: clinical testing. Allele origin: germline.

GeneDx
Classification: Likely benign. Last evaluated: 2021-05-05. Review status: criteria provided, single submitter. Criteria: GeneDx Variant Classification Process June 2021. Collection method: clinical testing. Allele origin: germline. Affected: yes.
Comment: See Variant Classification Assertion Criteria.